The following is an entry in ClinVar:

NM_000191.3(HMGCL):c.124G>A (p.Asp42Asn)

Gene: HMGCL (3-hydroxy-3-methylglutaryl-CoA lyase; minus strand). Cytogenetic location: 1p36.11.
Variant type: single nucleotide variant.
Coding change: c.124G>A on transcript NM_000191.3 (MANE Select); coding-DNA position 124, G replaced by A.
Protein change: p.Asp42Asn; replaces aspartic acid 42 with asparagine.
Molecular consequence: missense variant.
Genome position (GRCh38, 1-based): chr1:23,820,530, C>T on the plus strand (G>A on the coding strand, the complement: HMGCL is on the minus strand). VCF-style: chr1-23820530-C-T. GRCh37 (hg19) VCF-style: chr1-24147020-C-T.
Other names: c.124G>A, p.Asp42Asn (NM_001166059.2); c.124G>A (NM_000191.2); short protein forms D42N.
Identifiers: ClinVar variation 2676032 (VCV002676032.2), dbSNP rs1638699083, ClinGen allele CA339030321.
Genomic context (GRCh38, chr1:23,820,530, plus strand): 5'-GCTTGAAAAAACTGTTTTTTTGGCTCATTTCCAACTTTACCTTTTCATTTTGTAGTCCAT[C>T]TCGGGGACCAACTTCCACAATTTTCACCCGCTTTGGTAAAGTGCCCATAGATGAGGTGCT-3'
Protein context (NP_000182.2, residues 32-52): RVKIVEVGPR[Asp42Asn]GLQNEKNIVS

ClinVar aggregate classification (germline): Likely pathogenic. Review status: criteria provided, multiple submitters, no conflicts (2 of 4 stars). 2 submissions from 2 submitters: Likely pathogenic (2). Last evaluated 2025-01-06.

Conditions:
Long chain 3-hydroxyacyl-CoA dehydrogenase deficiency. Also called: LCHAD Deficiency; Deficiency of long-chain 3-hydroxyacyl-coenzyme A dehydrogenase. Identifiers: Orphanet 5, MedGen C3711645, MONDO:0012173, OMIM 609016.
Deficiency of hydroxymethylglutaryl-CoA lyase (HMGCLD). Also called: HMGCL DEFICIENCY; HYDROXYMETHYLGLUTARIC ACIDURIA; Defect in leucine metabolism; 3-hydroxy-3-methylglutaric aciduria; HMG-CoA LYASE DEFICIENCY. Identifiers: Orphanet 20, MedGen C1533587, MONDO:0009520, OMIM 246450.

Allele frequency attached by ClinVar (database versions not stated): gnomAD 0.00001; TOPMed 0.00001.

Submissions (2):

Natera, Inc.
Classification: Likely pathogenic for Deficiency of long-chain 3-hydroxyacyl-coenzyme A dehydrogenase. Last evaluated: 2025-01-06. Review status: criteria provided, single submitter. Criteria: Natera Variant Classification Schema (03/2026). Collection method: clinical testing. Allele origin: germline.
Comment: The c.124G>A variant in HMGCL is a missense variant predicted to cause substitution of aspartic acid to asparagine at amino acid 42. This variant is rare in the general population with a frequency below the threshold expected for the associated phenotype(s). This variant has been observed in one or more individuals affected with the associated recessive disease, as either homozygous or compound heterozygous with a second variant (PMID: 18080783). This variant has been identified in one or more affected individual with a phenotype highly consistent with the associated gene (PMID: 18080783). Computational prediction algorithms indicate this variant is likely to affect gene or protein function. Given the available evidence, this variant is classified as Likely Pathogenic.

Baylor Genetics
Classification: Likely pathogenic for Deficiency of hydroxymethylglutaryl-CoA lyase. Last evaluated: 2023-01-26. Review status: criteria provided, single submitter. Criteria: ACMG Guidelines, 2015. Collection method: clinical testing. Allele origin: unknown.

Literature cited by the submitters: PubMed 18080783 (cited by Natera, Inc.).